The following is an entry in ClinVar:

NM_001127198.5(TMC6):c.2078C>A (p.Ala693Asp)

Gene: TMC6 (transmembrane channel like 6; minus strand). Cytogenetic location: 17q25.3.
Variant type: single nucleotide variant.
Coding change: c.2078C>A on transcript NM_001127198.5 (MANE Select); coding-DNA position 2078, C replaced by A.
Protein change: p.Ala693Asp; replaces alanine 693 with aspartic acid.
Molecular consequence: missense variant. On other transcripts: non-coding transcript variant (4).
Genome position (GRCh38, 1-based): chr17:78,117,588, G>T on the plus strand (C>A on the coding strand, the complement: TMC6 is on the minus strand). VCF-style: chr17-78117588-G-T. GRCh37 (hg19) VCF-style: chr17-76113669-G-T.
Other names: c.2078C>A, p.Ala693Asp (NM_001321185.1, NM_001374596.1, NM_001375353.1 and 2 more transcripts); c.1898C>A, p.Ala633Asp (NM_001374593.1, NM_001374594.1); short protein forms A633D, A693D.
Identifiers: ClinVar variation 1419456 (VCV001419456.8), dbSNP rs1195937550, ClinGen allele CA401225448.

ClinVar aggregate classification (germline): Uncertain significance (1 of 4 stars; one submission).

Conditions:
Epidermodysplasia verruciformis. Identifiers: Orphanet 302, MedGen C0014522, MONDO:0009176.

Submission:

Labcorp Genetics (formerly Invitae), Labcorp
Classification: Uncertain significance for Epidermodysplasia verruciformis. Last evaluated: 2022-02-10. Review status: criteria provided, single submitter. Criteria: Invitae Variant Classification Sherloc (09022015). Collection method: clinical testing. Allele origin: germline.
Comment: Algorithms developed to predict the effect of missense changes on protein structure and function are either unavailable or do not agree on the potential impact of this missense change (SIFT: "Not Available"; PolyPhen-2: "Probably Damaging"; Align-GVGD: "Not Available"). This sequence change replaces alanine, which is neutral and non-polar, with aspartic acid, which is acidic and polar, at codon 693 of the TMC6 protein (p.Ala693Asp). This variant is not present in population databases (gnomAD no frequency). This variant has not been reported in the literature in individuals affected with TMC6-related conditions. In summary, the available evidence is currently insufficient to determine the role of this variant in disease. Therefore, it has been classified as a Variant of Uncertain Significance.